The following is an entry in ClinVar:

ClinVar aggregate classification (germline): Pathogenic/Likely pathogenic. Review status: criteria provided, multiple submitters, no conflicts (2 of 4 stars). 2 submissions from 2 submitters: Pathogenic (1); Likely pathogenic (1). Last evaluated 2026-03-05.

Conditions:
Tolchin-Le Caignec syndrome. Also called: INTELLECTUAL DEVELOPMENTAL DISORDER WITH BEHAVIORAL ABNORMALITIES AND VARIABLE BONE DEFECTS. Identifiers: MedGen C5436509, MONDO:0033544, OMIM 618971.

Submissions (2):

Mendelics
Classification: Pathogenic for Tolchin-Le Caignec syndrome. Last evaluated: 2026-03-05. Review status: criteria provided, single submitter. Criteria: ACMG Guidelines, 2015. Collection method: clinical testing. Allele origin: unknown.
Comment: Likely pathogenic/Pathogenic according to ACMG criteria.

GeneDx
Classification: Likely pathogenic. Last evaluated: 2022-09-20. Review status: criteria provided, single submitter. Criteria: GeneDx Variant Classification Process June 2021. Collection method: clinical testing. Allele origin: germline. Affected: yes.
Comment: Not observed at significant frequency in large population cohorts (gnomAD); In silico analysis supports that this missense variant has a deleterious effect on protein structure/function; Has not been previously published as pathogenic or benign to our knowledge

NM_001367873.1(SOX6):c.1868G>A (p.Arg623Gln)

Gene: SOX6 (SRY-box transcription factor 6; minus strand). Cytogenetic location: 11p15.2.
Variant type: single nucleotide variant.
Coding change: c.1868G>A on transcript NM_001367873.1 (MANE Select); coding-DNA position 1868, G replaced by A.
Protein change: p.Arg623Gln; replaces arginine 623 with glutamine.
Molecular consequence: missense variant.
Genome position (GRCh38, 1-based): chr11:15,989,095, C>T on the plus strand (G>A on the coding strand, the complement: SOX6 is on the minus strand). VCF-style: chr11-15989095-C-T. GRCh37 (hg19) VCF-style: chr11-16010641-C-T.
Other names: c.1787G>A, p.Arg596Gln (NM_001145811.2, NM_017508.3); c.1868G>A, p.Arg623Gln (NM_001145819.2); c.1745G>A, p.Arg582Gln (NM_001367872.1); c.1808G>A, p.Arg603Gln (NM_033326.3); short protein forms R582Q, R596Q, R603Q, R623Q.
Identifiers: ClinVar variation 1707954 (VCV001707954.3), dbSNP rs2493978793, ClinGen allele CA379874154.